The following is an entry in ClinVar:

NM_003073.5(SMARCB1):c.820T>G (p.Ser274Ala)

Gene: SMARCB1 (SWI/SNF related BAF chromatin remodeling complex subunit B1; plus strand). Cytogenetic location: 22q11.23.
Variant type: single nucleotide variant.
Coding change: c.820T>G on transcript NM_003073.5 (MANE Select); coding-DNA position 820, T replaced by G.
Protein change: p.Ser274Ala; replaces serine 274 with alanine.
Molecular consequence: missense variant.
Genome position (GRCh38, 1-based): chr22:23,825,249, T>G. VCF-style: chr22-23825249-T-G. GRCh37 (hg19) VCF-style: chr22-24167436-T-G.
Other names: c.793T>G, p.Ser265Ala (NM_001007468.3); c.847T>G, p.Ser283Ala (NM_001317946.2); c.874T>G, p.Ser292Ala (NM_001362877.2); short protein forms S265A, S292A, S274A, S283A.
Identifiers: ClinVar variation 2850592 (VCV002850592.3), dbSNP rs2517724362, ClinGen allele CA410906863.

ClinVar aggregate classification (germline): Uncertain significance (1 of 4 stars; one submission).

Submission:

Labcorp Genetics (formerly Invitae), Labcorp
Classification: Uncertain significance. Last evaluated: 2023-03-29. Review status: criteria provided, single submitter. Criteria: Invitae Variant Classification Sherloc (09022015). Collection method: clinical testing. Allele origin: germline.
Comment: In summary, the available evidence is currently insufficient to determine the role of this variant in disease. Therefore, it has been classified as a Variant of Uncertain Significance. Advanced modeling of protein sequence and biophysical properties (such as structural, functional, and spatial information, amino acid conservation, physicochemical variation, residue mobility, and thermodynamic stability) performed at Invitae indicates that this missense variant is expected to disrupt SMARCB1 protein function. This variant has not been reported in the literature in individuals affected with SMARCB1-related conditions. This variant is not present in population databases (gnomAD no frequency). This sequence change replaces serine, which is neutral and polar, with alanine, which is neutral and non-polar, at codon 274 of the SMARCB1 protein (p.Ser274Ala).